The following is an entry in ClinVar:

NM_153000.5(APCDD1):c.1046G>A (p.Arg349His)

Gene: APCDD1 (APC down-regulated 1; plus strand). Cytogenetic location: 18p11.22.
Variant type: single nucleotide variant.
Coding change: c.1046G>A on transcript NM_153000.5 (MANE Select); coding-DNA position 1046, G replaced by A.
Protein change: p.Arg349His; replaces arginine 349 with histidine.
Molecular consequence: missense variant.
Genome position (GRCh38, 1-based): chr18:10,485,733, G>A. VCF-style: chr18-10485733-G-A. GRCh37 (hg19) VCF-style: chr18-10485730-G-A.
Other names: c.1046G>A (NM_153000.4); short protein forms R349H.
Identifiers: ClinVar variation 2073513 (VCV002073513.6), dbSNP rs200939423, ClinGen allele CA8891193.

ClinVar aggregate classification (germline): Benign. Review status: criteria provided, single submitter (1 of 4 stars). 2 submissions from 2 submitters: Benign (1). 1 of the submissions does not count toward it. Last evaluated 2024-11-11.

Conditions:
APCDD1-related disorder. Also called: APCDD1-related condition.

Allele frequency attached by ClinVar (database versions not stated): TOPMed 0.00013; ExAC 0.00041; 1000 Genomes Project 0.00020; ESP Exome Variant Server 0.00008; gnomAD exomes 0.00027; 1000 Genomes Project 30x 0.00016; gnomAD 0.00056.
gnomAD v4.1: 489 of 1,614,046 alleles (0.03%); highest among the groups gnomAD compares: Non-Finnish European, 0.018%; 1 homozygote.

Submissions (2):

Labcorp Genetics (formerly Invitae), Labcorp
Classification: Benign. Last evaluated: 2024-11-11. Review status: criteria provided, single submitter. Criteria: Invitae Variant Classification Sherloc (09022015). Collection method: clinical testing. Allele origin: germline.

PreventionGenetics, part of Exact Sciences
Classification: Benign for APCDD1-related condition. Last evaluated: 2020-09-02. Review status: no assertion criteria provided. Collection method: clinical testing. Allele origin: germline. Not counted in ClinVar's aggregate classification.
Comment: This variant is classified as benign based on ACMG/AMP sequence variant interpretation guidelines (Richards et al. 2015 PMID: 25741868, with internal and published modifications).